The following is an entry in ClinVar:

NM_001458.5(FLNC):c.5876T>C (p.Val1959Ala)

Genes: FLNC (filamin C; plus strand), FLNC-AS1 (FLNC antisense RNA 1; minus strand). Cytogenetic location: 7q32.1.
Variant type: single nucleotide variant.
Coding change: c.5876T>C on transcript NM_001458.5 (MANE Select); coding-DNA position 5876, T replaced by C.
Protein change: p.Val1959Ala; replaces valine 1959 with alanine.
Molecular consequence: missense variant.
Genome position (GRCh38, 1-based): chr7:128,852,624, T>C. VCF-style: chr7-128852624-T-C. GRCh37 (hg19) VCF-style: chr7-128492678-T-C.
Other names: c.5777T>C, p.Val1926Ala (NM_001127487.2); short protein forms V1926A, V1959A.
Identifiers: ClinVar variation 4812390 (VCV004812390.2).
Genomic context (GRCh38, chr7:128,852,624, plus strand): 5'-AGCCTGATGCCCCAACTCCCCCACCAGGTGATGACTCCATGAGGACCTCACAGCTGAATG[T>C]GGGCACCTCCACGGACGTGTCACTGAAGATCACCGAGAGTGATCTGAGCCAGCTGACCGC-3'
Protein context (NP_001449.3, residues 1949-1969): DDSMRTSQLN[Val1959Ala]GTSTDVSLKI

ClinVar aggregate classification (germline): Uncertain significance. Review status: criteria provided, multiple submitters, no conflicts (2 of 4 stars). 2 submissions from 2 submitters: Uncertain significance (2). Last evaluated 2026-02-19.

Conditions:
Myofibrillar myopathy 5. Also called: Filaminopathy (type); FILAMINOPATHY, AUTOSOMAL DOMINANT. Identifiers: Orphanet 171445, MedGen C1836050, MONDO:0012289, OMIM 609524.
Distal myopathy with posterior leg and anterior hand involvement. Also called: WILLIAMS DISTAL MYOPATHY. Identifiers: Orphanet 63273, MedGen C3279722, MONDO:0013550, OMIM 614065.
Hypertrophic cardiomyopathy 26. Also called: Cardiomyopathy, familial hypertrophic, 26. Identifiers: Orphanet 75249, MedGen C4310749, MONDO:0014883, OMIM 617047.
Cardiovascular phenotype. Identifiers: MedGen CN230736.

Submissions (2):

Ambry Genetics
Classification: Uncertain significance for Cardiovascular phenotype. Last evaluated: 2026-02-19. Review status: criteria provided, single submitter. Criteria: Ambry Variant Classification Scheme 2023. Collection method: clinical testing. Allele origin: germline.
Comment: The p.V1959A variant (also known as c.5876T>C), located in coding exon 36 of the FLNC gene, results from a T to C substitution at nucleotide position 5876. The valine at codon 1959 is replaced by alanine, an amino acid with similar properties. This amino acid position is conserved. In addition, this alteration is predicted to be tolerated by in silico analysis. Based on the available evidence, the clinical significance of this variant remains unclear.

Labcorp Genetics (formerly Invitae), Labcorp
Classification: Uncertain significance for Distal myopathy with posterior leg and anterior hand involvement; Myofibrillar myopathy 5; Hypertrophic cardiomyopathy 26. Last evaluated: 2025-08-29. Review status: criteria provided, single submitter. Criteria: Invitae Variant Classification Sherloc (09022015). Collection method: clinical testing. Allele origin: germline.
Comment: This sequence change replaces valine, which is neutral and non-polar, with alanine, which is neutral and non-polar, at codon 1959 of the FLNC protein (p.Val1959Ala). This variant is not present in population databases (gnomAD no frequency). This variant has not been reported in the literature in individuals affected with FLNC-related conditions. Invitae Evidence Modeling of protein sequence and biophysical properties (such as structural, functional, and spatial information, amino acid conservation, physicochemical variation, residue mobility, and thermodynamic stability) has been performed for this missense variant. However, the output from this modeling did not meet the statistical confidence thresholds required to predict the impact of this variant on FLNC protein function. In summary, the available evidence is currently insufficient to determine the role of this variant in disease. Therefore, it has been classified as a Variant of Uncertain Significance.